The following is an entry in ClinVar:

NM_020778.5(ALPK3):c.3735C>T (p.Gly1245=)

Gene: ALPK3 (alpha kinase 3; plus strand). Cytogenetic location: 15q25.3.
Variant type: single nucleotide variant.
Coding change: c.3735C>T on transcript NM_020778.5 (MANE Select); coding-DNA position 3735, C replaced by T.
Protein change: p.Gly1245=; no amino-acid change (glycine 1245 retained).
Molecular consequence: synonymous variant.
Genome position (GRCh38, 1-based): chr15:84,858,473, C>T. VCF-style: chr15-84858473-C-T. GRCh37 (hg19) VCF-style: chr15-85401704-C-T.
Identifiers: ClinVar variation 1625021 (VCV001625021.12), dbSNP rs760971774, ClinGen allele CA7709708.
Genomic context (GRCh38, chr15:84,858,473, plus strand): 5'-GGTGCCTCGGGCAGAGGAGGAGCTGGCGGCAGGAGACCTGGGCCCCAGCCCCAAGGCCGG[C>T]GGTCTGGACACAGAGGTGGCCCTGGATGAAGGCAAGCAGGAGACACTGGCCAAGCCCAGG-3'
Protein context (NP_065829.4, residues 1235-1255): AGDLGPSPKA[Gly1245=]GLDTEVALDE

ClinVar aggregate classification (germline): Likely benign. Review status: criteria provided, multiple submitters, no conflicts (2 of 4 stars). 4 submissions from 4 submitters: Likely benign (4). Last evaluated 2026-05-23.

Conditions:
ALPK3-related disorder. Also called: ALPK3-related condition.
Cardiovascular phenotype. Identifiers: MedGen CN230736.

Allele frequency attached by ClinVar (database versions not stated): gnomAD 0.00009 and 0.00012; TOPMed 0.00018; gnomAD exomes 0.00030; ExAC 0.00033.

Submissions (4):

PreventionGenetics, part of Exact Sciences
Classification: Likely benign for ALPK3-related condition. Last evaluated: 2026-05-23. Review status: criteria provided, single submitter. Criteria: ACMG Guidelines, 2015. Collection method: clinical testing. Allele origin: germline.
Comment: This variant is classified as likely benign based on ACMG/AMP sequence variant interpretation guidelines (Richards et al. 2015 PMID: 25741868, with internal and published modifications).

Labcorp Genetics (formerly Invitae), Labcorp
Classification: Likely benign. Last evaluated: 2025-11-24. Review status: criteria provided, single submitter. Criteria: Invitae Variant Classification Sherloc (09022015). Collection method: clinical testing. Allele origin: germline.

Women's Health and Genetics/Laboratory Corporation of America, LabCorp
Classification: Likely benign. Last evaluated: 2023-10-30. Review status: criteria provided, single submitter. Criteria: LabCorp Variant Classification Summary - May 2015. Collection method: clinical testing. Allele origin: germline.
Comment: Variant summary: ALPK3 c.3735C>T alters a non-conserved nucleotide resulting in a synonymous change. Consensus agreement among computation tools predict no significant impact on normal splicing. However, these predictions have yet to be confirmed by functional studies. The variant allele was found at a frequency of 0.0003 in 186618 control chromosomes (gnomAD). This frequency is not significantly higher than estimated for a pathogenic variant in ALPK3 causing Cardiomyopathy (0.0003 vs 0.0071), allowing no conclusion about variant significance. To our knowledge, no occurrence of c.3735C>T in individuals affected with Cardiomyopathy and no experimental evidence demonstrating its impact on protein function have been reported. Two submitters have reported clinical-significance assessments for this variant to ClinVar after 2014. Both submitters classified the variant as likely benign. Based on the evidence outlined above, the variant was classified as likely benign.

Ambry Genetics
Classification: Likely benign for Cardiovascular phenotype. Last evaluated: 2021-01-04. Review status: criteria provided, single submitter. Criteria: Ambry Variant Classification Scheme 2023. Collection method: clinical testing. Allele origin: germline.